The following is an entry in ClinVar:

NM_006859.4(LIAS):c.393G>A (p.Met131Ile)

Gene: LIAS (lipoic acid synthetase; plus strand). Cytogenetic location: 4p14.
Variant type: single nucleotide variant.
Coding change: c.393G>A on transcript NM_006859.4 (MANE Select); coding-DNA position 393, G replaced by A.
Protein change: p.Met131Ile; replaces methionine 131 with isoleucine.
Molecular consequence: missense variant. On other transcripts: nonsense (2).
Genome position (GRCh38, 1-based): chr4:39,463,605, G>A. VCF-style: chr4-39463605-G-A. GRCh37 (hg19) VCF-style: chr4-39465225-G-A.
Other names: c.393G>A, p.Met131Ile (NM_001278590.2, NM_001278591.2, NM_194451.3); c.299G>A, p.Trp100Ter (NM_001278592.2, NM_001363700.2); short protein forms M131I, W100*.
Identifiers: ClinVar variation 1508280 (VCV001508280.6), dbSNP rs2109873042, ClinGen allele CA356664319.
Genomic context (GRCh38, chr4:39,463,605, plus strand): 5'-TCCCAATATTGGAGAGTGTTGGGGAGGTGGAGAATATGCCACCGCCACAGCCACGATCAT[G>A]GTAGGGCCAGCCTCAACCTCTATGGCTTTAGTCTAGAAACTGAAAGGGACTATTTTGTGT-3'
Protein context (NP_006850.2, residues 121-141): GEYATATATI[Met131Ile]LMGDTCTRGC

ClinVar aggregate classification (germline): Uncertain significance (1 of 4 stars; one submission).

Conditions:
Lipoic acid synthetase deficiency. Also called: HYPERGLYCINEMIA, LACTIC ACIDOSIS, AND SEIZURES. Identifiers: Orphanet 401859, MedGen C3280887, MONDO:0013762, OMIM 614462.

Submission:

Labcorp Genetics (formerly Invitae), Labcorp
Classification: Uncertain significance for Lipoic acid synthetase deficiency. Last evaluated: 2021-07-28. Review status: criteria provided, single submitter. Criteria: Invitae Variant Classification Sherloc (09022015). Collection method: clinical testing. Allele origin: germline.
Comment: This sequence change replaces methionine with isoleucine at codon 131 of the LIAS protein (p.Met131Ile). The methionine residue is highly conserved and there is a small physicochemical difference between methionine and isoleucine. This variant also falls at the last nucleotide of exon 4, which is part of the consensus splice site for this exon. This variant is not present in population databases (ExAC no frequency). This variant has not been reported in the literature in individuals affected with LIAS-related conditions. Algorithms developed to predict the effect of missense changes on protein structure and function are either unavailable or do not agree on the potential impact of this missense change (SIFT: "Deleterious"; PolyPhen-2: "Probably Damaging"; Align-GVGD: "Class C0"). Nucleotide substitutions within the consensus splice site are a relatively common cause of aberrant splicing (PMID: 17576681, 9536098). Algorithms developed to predict the effect of sequence changes on RNA splicing suggest that this variant may disrupt the consensus splice site. In summary, the available evidence is currently insufficient to determine the role of this variant in disease. Therefore, it has been classified as a Variant of Uncertain Significance.

Literature cited by the submitters: PubMed 17576681; PubMed 9536098.